The following is an entry in ClinVar:

NM_001277115.2(DNAH11):c.496A>G (p.Ile166Val)

Gene: DNAH11 (dynein axonemal heavy chain 11; plus strand). Cytogenetic location: 7p15.3.
Variant type: single nucleotide variant.
Coding change: c.496A>G on transcript NM_001277115.2 (MANE Select); coding-DNA position 496, A replaced by G.
Protein change: p.Ile166Val; replaces isoleucine 166 with valine.
Molecular consequence: missense variant.
Genome position (GRCh38, 1-based): chr7:21,558,802, A>G. VCF-style: chr7-21558802-A-G. GRCh37 (hg19) VCF-style: chr7-21598420-A-G.
Other names: short protein forms I166V.
Identifiers: ClinVar variation 856864 (VCV000856864.7), dbSNP rs188162506, ClinGen allele CA4178698.

ClinVar aggregate classification (germline): Uncertain significance. Review status: criteria provided, multiple submitters, no conflicts (2 of 4 stars). 2 submissions from 2 submitters: Uncertain significance (2). Last evaluated 2026-03-04.

Conditions:
Primary ciliary dyskinesia. Also called: Ciliary dyskinesia. Identifiers: Orphanet 244, MedGen C0008780, MONDO:0016575, HP:0012265.

Allele frequency attached by ClinVar (database versions not stated): TOPMed 0.00002; ESP Exome Variant Server 0.00009; gnomAD exomes 0.00001 and 0.00002; gnomAD 0.00003; ExAC 0.00005.
gnomAD v4.1: 24 of 1,569,848 alleles (0.0015%); highest among the groups gnomAD compares: Admixed American, 0.01%; no homozygotes.

Submissions (2):

GeneDx
Classification: Uncertain significance. Last evaluated: 2026-03-04. Review status: criteria provided, single submitter. Criteria: GeneDx Variant Classification Process June 2021. Collection method: clinical testing. Allele origin: germline.
Comment: In silico analysis suggests that this missense variant does not alter protein structure/function; Has not been previously published as pathogenic or benign to our knowledge

Labcorp Genetics (formerly Invitae), Labcorp
Classification: Uncertain significance for Primary ciliary dyskinesia. Last evaluated: 2021-09-01. Review status: criteria provided, single submitter. Criteria: Invitae Variant Classification Sherloc (09022015). Collection method: clinical testing. Allele origin: germline.